The following is an entry in ClinVar:

NM_006080.3(SEMA3A):c.1471G>A (p.Ala491Thr)

Gene: SEMA3A (semaphorin 3A; minus strand). Cytogenetic location: 7q21.11.
Variant type: single nucleotide variant.
Coding change: c.1471G>A on transcript NM_006080.3 (MANE Select); coding-DNA position 1471, G replaced by A.
Protein change: p.Ala491Thr; replaces alanine 491 with threonine.
Molecular consequence: missense variant.
Genome position (GRCh38, 1-based): chr7:83,985,459, C>T on the plus strand (G>A on the coding strand, the complement: SEMA3A is on the minus strand). VCF-style: chr7-83985459-C-T. GRCh37 (hg19) VCF-style: chr7-83614775-C-T.
Other names: short protein forms A491T.
Identifiers: ClinVar variation 3617792 (VCV003617792.4).

ClinVar aggregate classification (germline): Uncertain significance. Review status: criteria provided, multiple submitters, no conflicts (2 of 4 stars). 3 submissions from 3 submitters: Uncertain significance (3). Last evaluated 2025-08-30.

Conditions:
SEMA3A-related disorder. Also called: SEMA3A-related condition.
Inborn genetic diseases. Identifiers: MedGen C0950123, MeSH D030342.

gnomAD v4.1: 8 of 1,610,540 alleles (0.0005%); highest among the groups gnomAD compares: Non-Finnish European, 0.00059%; no homozygotes.

Submissions (3):

Ambry Genetics
Classification: Uncertain significance for Inborn genetic diseases. Last evaluated: 2025-08-30. Review status: criteria provided, single submitter. Criteria: Ambry Variant Classification Scheme 2023. Collection method: clinical testing. Allele origin: germline.

PreventionGenetics, part of Exact Sciences
Classification: Uncertain significance for SEMA3A-related condition. Last evaluated: 2025-06-25. Review status: criteria provided, single submitter. Criteria: ACMG Guidelines, 2015. Collection method: clinical testing. Allele origin: germline.
Comment: The SEMA3A c.1471G>A variant is predicted to result in the amino acid substitution p.Ala491Thr. To our knowledge, this variant has not been reported in the literature. This variant is reported in 0.0018% of alleles in individuals of European (Non-Finnish) descent in gnomAD. At this time, the clinical significance of this variant is uncertain due to the absence of conclusive functional and genetic evidence.

Labcorp Genetics (formerly Invitae), Labcorp
Classification: Uncertain significance. Last evaluated: 2024-04-17. Review status: criteria provided, single submitter. Criteria: Invitae Variant Classification Sherloc (09022015). Collection method: clinical testing. Allele origin: germline.
Comment: This sequence change replaces alanine, which is neutral and non-polar, with threonine, which is neutral and polar, at codon 491 of the SEMA3A protein (p.Ala491Thr). This variant is present in population databases (rs756665158, gnomAD 0.002%). This variant has not been reported in the literature in individuals affected with SEMA3A-related conditions. Advanced modeling of protein sequence and biophysical properties (such as structural, functional, and spatial information, amino acid conservation, physicochemical variation, residue mobility, and thermodynamic stability) performed at Invitae indicates that this missense variant is not expected to disrupt SEMA3A protein function with a negative predictive value of 80%. In summary, the available evidence is currently insufficient to determine the role of this variant in disease. Therefore, it has been classified as a Variant of Uncertain Significance.